The following is an entry in ClinVar:

NM_000038.6(APC):c.1811dup (p.Ala604_Asp605insTer)

Gene: APC (APC regulator of Wnt signaling pathway; plus strand). Cytogenetic location: 5q22.2.
Variant type: Duplication.
Coding change: c.1811dup on transcript NM_000038.6 (MANE Select); coding-DNA position 1811, one base duplicated (C; older notation c.1811dupC).
Protein change: p.Ala604_Asp605insTer.
Molecular consequence: frameshift variant. On other transcripts: non-coding transcript variant (2).
Genome position (GRCh38, 1-based): chr5:112,835,018, C duplicated. VCF-style (leftmost placement, unchanged base first): chr5-112835017-G-GC. GRCh37 (hg19) VCF-style: chr5-112170714-G-GC.
Other names: c.1757dup, p.Ala586_Asp587insTer (NM_001127511.3); c.1811dup, p.Ala604_Asp605insTer (NM_001354895.2, NM_001407450.1, NM_001127510.3); c.1865dup, p.Ala622_Asp623insTer (NM_001354896.2, NM_001407447.1, NM_001407448.1 and 1 more transcripts); c.1841dup, p.Ala614_Asp615insTer (NM_001354897.2); c.1736dup, p.Ala579_Asp580insTer (NM_001354898.2); c.1727dup, p.Ala576_Asp577insTer (NM_001354899.2); c.1688dup, p.Ala563_Asp564insTer (NM_001354900.2); c.1634dup, p.Ala545_Asp546insTer (NM_001354901.2, NM_001407453.1); and 11 more.
Identifiers: ClinVar variation 2584061 (VCV002584061.3), dbSNP rs2467329431, ClinGen allele CA2582341325.

ClinVar aggregate classification (germline): Pathogenic. Review status: criteria provided, multiple submitters, no conflicts (2 of 4 stars). 2 submissions from 2 submitters: Pathogenic (2). Last evaluated 2025-02-14.

Conditions:
Familial adenomatous polyposis 1 (FAP1). Also called: FAMILIAL ADENOMATOUS POLYPOSIS 1, ATTENUATED; POLYPOSIS, ADENOMATOUS INTESTINAL. Identifiers: MedGen C2713442, MONDO:0021056, OMIM 175100. Disease mechanism: loss of function.

Submissions (2):

Labcorp Genetics (formerly Invitae), Labcorp
Classification: Pathogenic for Familial adenomatous polyposis 1. Last evaluated: 2025-02-14. Review status: criteria provided, single submitter. Criteria: Invitae Variant Classification Sherloc (09022015). Collection method: clinical testing. Allele origin: germline.
Comment: This sequence change creates a premature translational stop signal (p.Asp605*) in the APC gene. It is expected to result in an absent or disrupted protein product. Loss-of-function variants in APC are known to be pathogenic (PMID: 17963004, 20685668). This variant is not present in population databases (gnomAD no frequency). This variant has not been reported in the literature in individuals affected with APC-related conditions. ClinVar contains an entry for this variant (Variation ID: 2584061). For these reasons, this variant has been classified as Pathogenic.

Myriad Genetics, Inc.
Classification: Pathogenic for Familial adenomatous polyposis 1. Last evaluated: 2023-05-03. Review status: criteria provided, single submitter. Criteria: Myriad Autosomal Dominant, Autosomal Recessive and X-Linked Classification Criteria (2023). Collection method: clinical testing. Allele origin: unknown.
Comment: This variant is considered pathogenic. This variant creates a termination codon and is predicted to result in premature protein truncation.

Literature cited by the submitters: PubMed 17963004 (cited by Labcorp Genetics (formerly Invitae), Labcorp); PubMed 20685668 (cited by Labcorp Genetics (formerly Invitae), Labcorp).